The following is an entry in ClinVar:

NM_000138.5(FBN1):c.6861A>C (p.Glu2287Asp)

Gene: FBN1 (fibrillin 1; minus strand). Cytogenetic location: 15q21.1.
Variant type: single nucleotide variant.
Coding change: c.6861A>C on transcript NM_000138.5 (MANE Select); coding-DNA position 6861, A replaced by C.
Protein change: p.Glu2287Asp; replaces glutamic acid 2287 with aspartic acid.
Molecular consequence: missense variant.
Genome position (GRCh38, 1-based): chr15:48,430,681, T>G on the plus strand (A>C on the coding strand, the complement: FBN1 is on the minus strand). VCF-style: chr15-48430681-T-G. GRCh37 (hg19) VCF-style: chr15-48722878-T-G.
Other names: c.6861A>C, p.Glu2287Asp (NM_001406716.1); short protein forms E2287D.
Identifiers: ClinVar variation 4788301 (VCV004788301.1).

ClinVar aggregate classification (germline): Uncertain significance (1 of 4 stars; one submission).

Conditions:
Marfan syndrome (MFS). Also called: FBN1-Related Marfan Syndrome; MARFAN SYNDROME, TYPE I; Marfan syndrome type 1; Marfan's syndrome; Marfan syndrome, classic. Identifiers: Orphanet 284963, Orphanet 558, MedGen C0024796, MONDO:0007947, OMIM 154700.
Familial thoracic aortic aneurysm and aortic dissection (TAAD). Also called: Thoracic aortic aneurysms and dissections. Identifiers: Orphanet 91387, MedGen C4707243, MONDO:0019625.

Submission:

Labcorp Genetics (formerly Invitae), Labcorp
Classification: Uncertain significance for Marfan syndrome; Familial thoracic aortic aneurysm and aortic dissection. Last evaluated: 2025-09-03. Review status: criteria provided, single submitter. Criteria: Invitae Variant Classification Sherloc (09022015). Collection method: clinical testing. Allele origin: germline.
Comment: This sequence change replaces glutamic acid, which is acidic and polar, with aspartic acid, which is acidic and polar, at codon 2287 of the FBN1 protein (p.Glu2287Asp). This variant is not present in population databases (gnomAD no frequency). This variant has not been reported in the literature in individuals affected with FBN1-related conditions. Invitae Evidence Modeling of protein sequence and biophysical properties (such as structural, functional, and spatial information, amino acid conservation, physicochemical variation, residue mobility, and thermodynamic stability) indicates that this missense variant is not expected to disrupt FBN1 protein function with a negative predictive value of 95%. In summary, the available evidence is currently insufficient to determine the role of this variant in disease. Therefore, it has been classified as a Variant of Uncertain Significance.